The following is an entry in ClinVar:

NM_001378454.1(ALMS1):c.9850C>T (p.Gln3284Ter)

Gene: ALMS1 (ALMS1 centrosome and basal body associated protein; plus strand). Cytogenetic location: 2p13.1.
Variant type: single nucleotide variant.
Coding change: c.9850C>T on transcript NM_001378454.1 (MANE Select); coding-DNA position 9850, C replaced by T.
Protein change: p.Gln3284Ter; replaces glutamine 3284 with a stop codon.
Molecular consequence: nonsense.
Genome position (GRCh38, 1-based): chr2:73,534,892, C>T. VCF-style: chr2-73534892-C-T. GRCh37 (hg19) VCF-style: chr2-73762019-C-T.
Other names: c.9853C>T, p.Gln3285Ter (NM_015120.4); short protein forms Q3284*, Q3285*.
Identifiers: ClinVar variation 1726866 (VCV001726866.2), dbSNP rs2466340239, ClinGen allele CA347263696.

ClinVar aggregate classification (germline): Likely pathogenic (1 of 4 stars; one submission).

Conditions:
Alstrom syndrome (ALMS). Identifiers: Orphanet 64, MedGen C0268425, MONDO:0008763, OMIM 203800.

Submission:

Myriad Genetics, Inc.
Classification: Likely pathogenic for Alstrom syndrome. Last evaluated: 2022-01-02. Review status: criteria provided, single submitter. Criteria: Myriad Women's Health Autosomal Recessive and X-Linked Classification Criteria (2021). Collection method: clinical testing. Allele origin: unknown.
Comment: NM_015120.4(ALMS1):c.9853C>T(Q3285*) is expected to be pathogenic in the context of Alstrom syndrome. This variant is predicted to lead to an abnormal or absent protein product due to the creation of a premature termination codon in ALMS1, a gene where loss-of-function variants are known to be pathogenic. Please note: this variant was assessed in the context of healthy population screening.